The following is an entry in ClinVar:

ClinVar aggregate classification (germline): Pathogenic (1 of 4 stars; one submission).

Submission:

Labcorp Genetics (formerly Invitae), Labcorp
Classification: Pathogenic. Last evaluated: 2023-09-19. Review status: criteria provided, single submitter. Criteria: Invitae Variant Classification Sherloc (09022015). Collection method: clinical testing. Allele origin: germline.
Comment: This variant is a gross deletion of the genomic region encompassing exon(s) 1-2 of the COL4A5 gene, which includes the initiator codon. This deletion extends beyond the assayed region for this gene and therefore may encompass additional genes. It is expected to result in an absent or disrupted protein product. Loss-of-function variants in COL4A5 are known to be pathogenic (PMID: 9195222, 10752524, 14514738, 24854265, 26809805). A similar copy number variant has been observed in individual(s) with proteinuria (PMID: 24854265). For these reasons, this variant has been classified as Pathogenic.

Literature cited by the submitters: PubMed 9195222; PubMed 10752524; PubMed 14514738; PubMed 24854265; PubMed 26809805.

NC_000023.10:g.(?_107681152)_(107783055_?)del

Genes: COL4A5 (collagen type IV alpha 5 chain; plus strand), COL4A6 (collagen type IV alpha 6 chain; minus strand). Cytogenetic location: Xq22.3.
Variant type: Deletion.
Identifiers: ClinVar variation 2445491 (VCV002445491.2).